The following is an entry in ClinVar:

ClinVar aggregate classification (germline): Uncertain significance. Review status: criteria provided, multiple submitters, no conflicts (2 of 4 stars). 3 submissions from 3 submitters: Uncertain significance (3). Last evaluated 2025-11-24.

Conditions:
Inborn genetic diseases. Identifiers: MedGen C0950123, MeSH D030342.
Left ventricular noncompaction 8 (LVNC8). Identifiers: Orphanet 154, Orphanet 54260, MedGen C3809288, MONDO:0014152, OMIM 615373.

Allele frequency attached by ClinVar (database versions not stated): ExAC 0.00001; gnomAD exomes 0.00001; gnomAD 0.00002; TOPMed 0.00002.
gnomAD v4.1: 20 of 1,554,870 alleles (0.0013%); highest among the groups gnomAD compares: South Asian, 0.0024%; no homozygotes.

Submissions (3):

Ambry Genetics
Classification: Uncertain significance for Inborn genetic diseases. Last evaluated: 2025-11-24. Review status: criteria provided, single submitter. Criteria: Ambry Variant Classification Scheme 2023. Collection method: clinical testing. Allele origin: germline.

Labcorp Genetics (formerly Invitae), Labcorp
Classification: Uncertain significance for Left ventricular noncompaction 8. Last evaluated: 2024-02-24. Review status: criteria provided, single submitter. Criteria: Invitae Variant Classification Sherloc (09022015). Collection method: clinical testing. Allele origin: germline.
Comment: This sequence change replaces arginine, which is basic and polar, with tryptophan, which is neutral and slightly polar, at codon 118 of the PRDM16 protein (p.Arg118Trp). This variant is present in population databases (rs777345264, gnomAD 0.006%). This variant has not been reported in the literature in individuals affected with PRDM16-related conditions. ClinVar contains an entry for this variant (Variation ID: 1810170). An algorithm developed to predict the effect of missense changes on protein structure and function (PolyPhen-2) suggests that this variant is likely to be disruptive. In summary, the available evidence is currently insufficient to determine the role of this variant in disease. Therefore, it has been classified as a Variant of Uncertain Significance.

GeneDx
Classification: Uncertain significance. Last evaluated: 2022-12-30. Review status: criteria provided, single submitter. Criteria: GeneDx Variant Classification Process June 2021. Collection method: clinical testing. Allele origin: germline. Affected: yes.
Comment: Not observed at significant frequency in large population cohorts (gnomAD); In silico analysis supports that this missense variant does not alter protein structure/function; Has not been previously published as pathogenic or benign to our knowledge

NM_022114.4(PRDM16):c.352C>T (p.Arg118Trp)

Gene: PRDM16 (PR/SET domain 16; plus strand). Cytogenetic location: 1p36.32.
Variant type: single nucleotide variant.
Coding change: c.352C>T on transcript NM_022114.4 (MANE Select); coding-DNA position 352, C replaced by T.
Protein change: p.Arg118Trp; replaces arginine 118 with tryptophan.
Molecular consequence: missense variant.
Genome position (GRCh38, 1-based): chr1:3,186,439, C>T. VCF-style: chr1-3186439-C-T. GRCh37 (hg19) VCF-style: chr1-3103003-C-T.
Other names: c.352C>T, p.Arg118Trp (NM_199454.3); short protein forms R118W.
Identifiers: ClinVar variation 1810170 (VCV001810170.5), dbSNP rs777345264, ClinGen allele CA543747.